The following is an entry in ClinVar:

NM_000179.3(MSH6):c.1312dup (p.Met438fs)

Gene: MSH6 (mutS homolog 6; plus strand). Cytogenetic location: 2p16.3.
Variant type: Duplication.
Coding change: c.1312dup on transcript NM_000179.3 (MANE Select); coding-DNA position 1312, one base duplicated (A; older notation c.1312dupA).
Protein change: p.Met438fs; shifts the reading frame from methionine 438.
Molecular consequence: frameshift variant.
Genome position (GRCh38, 1-based): chr2:47,799,295, A duplicated. VCF-style (leftmost placement, unchanged base first): chr2-47799294-C-CA. GRCh37 (hg19) VCF-style: chr2-48026433-C-CA.
Other names: c.1312dupA (NM_000179.2); c.922dup, p.Met308fs (NM_001281492.2); c.406dup, p.Met136fs (NM_001281493.2, NM_001281494.2); short protein forms M308fs, M438fs, M136fs.
Identifiers: ClinVar variation 218052 (VCV000218052.8), dbSNP rs863225399, ClinGen allele CA279692.

ClinVar aggregate classification (germline): Pathogenic. Review status: criteria provided, multiple submitters, no conflicts (2 of 4 stars). 3 submissions from 3 submitters: Pathogenic (2). 1 of the submissions does not count toward it. Last evaluated 2025-04-02.

Conditions:
Hereditary nonpolyposis colorectal neoplasms. Identifiers: MedGen C0009405, MeSH D003123.
Lynch syndrome 5 (LYNCH5). Also called: Hereditary non-polyposis colorectal cancer, type 5; Colorectal cancer, hereditary nonpolyposis, type 5. Identifiers: Orphanet 144, MedGen C1833477, MONDO:0013710, OMIM 614350. Disease mechanism: loss of function.

Submissions (3):

Labcorp Genetics (formerly Invitae), Labcorp
Classification: Pathogenic for Hereditary nonpolyposis colorectal neoplasms. Last evaluated: 2025-04-02. Review status: criteria provided, single submitter. Criteria: Invitae Variant Classification Sherloc (09022015). Collection method: clinical testing. Allele origin: germline.
Comment: This sequence change creates a premature translational stop signal (p.Met438Asnfs*9) in the MSH6 gene. It is expected to result in an absent or disrupted protein product. Loss-of-function variants in MSH6 are known to be pathogenic (PMID: 18269114, 24362816). This variant is not present in population databases (gnomAD no frequency). This variant has not been reported in the literature in individuals affected with MSH6-related conditions. ClinVar contains an entry for this variant (Variation ID: 218052). For these reasons, this variant has been classified as Pathogenic.

Myriad Genetics, Inc.
Classification: Pathogenic for Lynch syndrome 5. Last evaluated: 2023-08-11. Review status: criteria provided, single submitter. Criteria: Myriad Autosomal Dominant, Autosomal Recessive and X-Linked Classification Criteria (2023). Collection method: clinical testing. Allele origin: unknown.
Comment: This variant is considered pathogenic. This variant creates a frameshift predicted to result in premature protein truncation.

Mayo Clinic Laboratories, Mayo Clinic
Classification: Likely pathogenic. Review status: no assertion criteria provided. Collection method: research. Allele origin: unknown. Observed: 1 variant allele. Not counted in ClinVar's aggregate classification.

Literature cited by the submitters: PubMed 18269114 (cited by Labcorp Genetics (formerly Invitae), Labcorp); PubMed 24362816 (cited by Labcorp Genetics (formerly Invitae), Labcorp).